The following is an entry in ClinVar:

ClinVar aggregate classification (germline): Uncertain significance (1 of 4 stars; one submission).

Conditions:
Cardiovascular phenotype. Identifiers: MedGen CN230736.

Submission:

Ambry Genetics
Classification: Uncertain significance for Cardiovascular phenotype. Last evaluated: 2025-09-07. Review status: criteria provided, single submitter. Criteria: Ambry Variant Classification Scheme 2023. Collection method: clinical testing. Allele origin: germline.
Comment: The p.S1406C variant (also known as c.4217C>G), located in coding exon 6 of the ALPK3 gene, results from a C to G substitution at nucleotide position 4217. The serine at codon 1406 is replaced by cysteine, an amino acid with dissimilar properties. This amino acid position is conserved. In addition, this alteration is predicted to be tolerated by in silico analysis. Based on the available evidence, the clinical significance of this variant remains unclear.

NM_020778.5(ALPK3):c.3611C>G (p.Ser1204Cys)

Gene: ALPK3 (alpha kinase 3; plus strand). Cytogenetic location: 15q25.3.
Variant type: single nucleotide variant.
Coding change: c.3611C>G on transcript NM_020778.5 (MANE Select); coding-DNA position 3611, C replaced by G.
Protein change: p.Ser1204Cys; replaces serine 1204 with cysteine.
Molecular consequence: missense variant.
Genome position (GRCh38, 1-based): chr15:84,858,349, C>G. VCF-style: chr15-84858349-C-G. GRCh37 (hg19) VCF-style: chr15-85401580-C-G.
Other names: short protein forms S1204C.
Identifiers: ClinVar variation 4089282 (VCV004089282.1).